The following is an entry in ClinVar:

NM_001378452.1(ITPR1):c.2806G>A (p.Gly936Ser)

Gene: ITPR1 (inositol 1,4,5-trisphosphate receptor type 1; plus strand). Cytogenetic location: 3p26.1.
Variant type: single nucleotide variant.
Coding change: c.2806G>A on transcript NM_001378452.1 (MANE Select); coding-DNA position 2806, G replaced by A.
Protein change: p.Gly936Ser; replaces glycine 936 with serine.
Molecular consequence: missense variant.
Genome position (GRCh38, 1-based): chr3:4,676,640, G>A. VCF-style: chr3-4676640-G-A. GRCh37 (hg19) VCF-style: chr3-4718324-G-A.
Other names: c.2779G>A, p.Gly927Ser (NM_001099952.4); c.2761G>A, p.Gly921Ser (NM_001168272.2); c.2734G>A, p.Gly912Ser (NM_002222.7); short protein forms G921S, G912S, G927S, G936S.
Identifiers: ClinVar variation 623657 (VCV000623657.46), dbSNP rs1559671950, ClinGen allele CA351649252.

ClinVar aggregate classification (germline): Uncertain significance. Review status: criteria provided, multiple submitters, no conflicts (2 of 4 stars). 3 submissions from 3 submitters: Uncertain significance (3). Last evaluated 2026-02-02.

Conditions:
Spinocerebellar ataxia type 29 (SCA29). Also called: CEREBELLAR ATAXIA, CONGENITAL NONPROGRESSIVE, AUTOSOMAL DOMINANT; Spinocerebellar ataxia 29, congenital nonprogressive. Identifiers: Orphanet 208513, MedGen C1861732, MONDO:0007298, OMIM 117360.

Allele frequency attached by ClinVar (database versions not stated): gnomAD exomes 0.00001.
gnomAD v4.1: 12 of 1,613,690 alleles (0.00074%); highest among the groups gnomAD compares: Non-Finnish European, 0.001%; no homozygotes.

Submissions (3):

Labcorp Genetics (formerly Invitae), Labcorp
Classification: Uncertain significance. Last evaluated: 2026-02-02. Review status: criteria provided, single submitter. Criteria: Invitae Variant Classification Sherloc (09022015). Collection method: clinical testing. Allele origin: germline.
Comment: This sequence change replaces glycine, which is neutral and non-polar, with serine, which is neutral and polar, at codon 912 of the ITPR1 protein (p.Gly912Ser). This variant is not present in population databases (gnomAD no frequency). This missense change has been observed in individual(s) with ITPR1-related conditions (PMID: 35588347). ClinVar contains an entry for this variant (Variation ID: 623657). Invitae Evidence Modeling of protein sequence and biophysical properties (such as structural, functional, and spatial information, amino acid conservation, physicochemical variation, residue mobility, and thermodynamic stability) indicates that this missense variant is not expected to disrupt ITPR1 protein function with a negative predictive value of 95%. In summary, the available evidence is currently insufficient to determine the role of this variant in disease. Therefore, it has been classified as a Variant of Uncertain Significance.

CeGaT Center for Human Genetics Tuebingen
Classification: Uncertain significance. Last evaluated: 2020-04-01. Review status: criteria provided, single submitter. Criteria: CeGaT Center For Human Genetics Tuebingen Variant Classification Criteria Version 2. Collection method: clinical testing. Allele origin: germline. Affected: yes. Observed: 1 variant allele.

HudsonAlpha Institute for Biotechnology
Classification: Uncertain significance for Spinocerebellar ataxia type 29. Last evaluated: 2018-08-24. Review status: criteria provided, single submitter. Criteria: ACMG Guidelines, 2015. Collection method: research. Allele origin: unknown. Observed: 1 variant allele. Study: CSER-SouthSeq.
Comment: ACMG codes: PM2, PP3

Literature cited by the submitters: PubMed 35588347 (cited by Labcorp Genetics (formerly Invitae), Labcorp).